The following is an entry in ClinVar:

NM_000088.4(COL1A1):c.1056+3G>A

Gene: COL1A1 (collagen type I alpha 1 chain; minus strand). Cytogenetic location: 17q21.33.
Variant type: single nucleotide variant.
Coding change: c.1056+3G>A on transcript NM_000088.4 (MANE Select); 3 bases into the intron after coding-DNA position 1056, G replaced by A.
Molecular consequence: intron variant.
Genome position (GRCh38, 1-based): chr17:50,195,920, C>T on the plus strand (G>A on the coding strand, the complement: COL1A1 is on the minus strand). VCF-style: chr17-50195920-C-T. GRCh37 (hg19) VCF-style: chr17-48273281-C-T.
Identifiers: ClinVar variation 1377257 (VCV001377257.12), dbSNP rs367802613, ClinGen allele CA8645420.
Genomic context (GRCh38, chr17:50,195,920, plus strand): 5'-ACAGGGAGACATGAACCCCTTGGCCCATGAGGGTCATGCTTAGAGGAGAGTGGGGGGTCT[C>T]ACCTTAGCACCAACAGCACCAGGGAAGCCAGGAGGACCAGCGGGGCCGGTGGGACCCTGT-3'

ClinVar aggregate classification (germline): Uncertain significance. Review status: criteria provided, multiple submitters, no conflicts (2 of 4 stars). 4 submissions from 4 submitters: Uncertain significance (3). 1 of the submissions does not count toward it. Last evaluated 2025-12-21.

Conditions:
Osteogenesis imperfecta type I (OI1). Also called: OI, TYPE I; OSTEOGENESIS IMPERFECTA TARDA; OSTEOGENESIS IMPERFECTA WITH BLUE SCLERAE; Osteogenesis imperfecta type 1; Lobstein's Disease; Lobstein disease. Identifiers: Orphanet 216796, Orphanet 666, MedGen C0023931, MONDO:0008146, OMIM 166200. Disease mechanism: loss of function.
Cardiovascular phenotype. Identifiers: MedGen CN230736.
COL1A1-related disorder. Also called: COL1A1-related condition; COL1A1- related disease.

Allele frequency attached by ClinVar (database versions not stated): gnomAD 0.00001; gnomAD exomes 0.00008 and 0.00003; ExAC 0.00003; ESP Exome Variant Server 0.00023; TOPMed 0.00002.
gnomAD v4.1: 114 of 1,577,960 alleles (0.0072%); highest among the groups gnomAD compares: Non-Finnish European, 0.0096%; no homozygotes.

Submissions (4):

Labcorp Genetics (formerly Invitae), Labcorp
Classification: Uncertain significance for Osteogenesis imperfecta type I. Last evaluated: 2025-12-21. Review status: criteria provided, single submitter. Criteria: Invitae Variant Classification Sherloc (09022015). Collection method: clinical testing. Allele origin: germline.
Comment: This sequence change falls in intron 16 of the COL1A1 gene. It does not directly change the encoded amino acid sequence of the COL1A1 protein. It affects a nucleotide within the consensus splice site. This variant is present in population databases (rs367802613, gnomAD 0.006%). This variant has been observed in individual(s) with clincial features of COL1A1-related conditions (internal data). ClinVar contains an entry for this variant (Variation ID: 1377257). Variants that disrupt the consensus splice site are a relatively common cause of aberrant splicing (PMID: 17576681, 9536098). Algorithms developed to predict the effect of sequence changes on RNA splicing suggest that this variant is not likely to affect RNA splicing. In summary, the available evidence is currently insufficient to determine the role of this variant in disease. Therefore, it has been classified as a Variant of Uncertain Significance.

Women's Health and Genetics/Laboratory Corporation of America, LabCorp
Classification: Uncertain significance. Last evaluated: 2025-09-22. Review status: criteria provided, single submitter. Criteria: LabCorp Variant Classification Summary - May 2015. Collection method: clinical testing. Allele origin: germline.
Comment: Variant summary: COL1A1 c.1056+3G>A alters a conserved nucleotide located close to a canonical splice site and therefore could affect mRNA splicing, leading to a significantly altered protein sequence. Consensus agreement among computation tools predict no significant impact on normal splicing. However, these predictions have yet to be confirmed by functional studies. The variant allele was found at a frequency of 2.6e-05 in 193486 control chromosomes. The available data on variant occurrences in the general population are insufficient to allow any conclusion about variant significance. To our knowledge, no occurrence of c.1056+3G>A in individuals affected with COL1A1-related conditions and no experimental evidence demonstrating its impact on protein function have been reported. ClinVar contains an entry for this variant (Variation ID: 1377257). Based on the evidence outlined above, the variant was classified as uncertain significance.

Ambry Genetics
Classification: Uncertain significance for Cardiovascular phenotype. Last evaluated: 2024-05-02. Review status: criteria provided, single submitter. Criteria: Ambry Variant Classification Scheme 2023. Collection method: clinical testing. Allele origin: germline.
Comment: The c.1056+3G>A intronic variant results from a G to A substitution 3 nucleotides after coding exon 16 in the COL1A1 gene. This nucleotide position is not well conserved in available vertebrate species. In addition, in silico splice site analysis predicts that this alteration will not have any significant effect on splicing. Since supporting evidence is limited at this time, the clinical significance of this alteration remains unclear.

PreventionGenetics, part of Exact Sciences
Classification: Likely benign for COL1A1-related condition. Last evaluated: 2022-07-20. Review status: no assertion criteria provided. Collection method: clinical testing. Allele origin: germline. Not counted in ClinVar's aggregate classification.
Comment: This variant is classified as likely benign based on ACMG/AMP sequence variant interpretation guidelines (Richards et al. 2015 PMID: 25741868, with internal and published modifications).

Literature cited by the submitters: PubMed 17576681 (cited by Labcorp Genetics (formerly Invitae), Labcorp); PubMed 9536098 (cited by Labcorp Genetics (formerly Invitae), Labcorp).